The following is an entry in ClinVar:

ClinVar aggregate classification (germline): Uncertain significance (1 of 4 stars; one submission).

Conditions:
Spastic paraplegia. Identifiers: MedGen C0037772, HP:0001258.

Submission:

Labcorp Genetics (formerly Invitae), Labcorp
Classification: Uncertain significance for Spastic paraplegia. Last evaluated: 2024-12-09. Review status: criteria provided, single submitter. Criteria: Invitae Variant Classification Sherloc (09022015). Collection method: clinical testing. Allele origin: germline.
Comment: This sequence change replaces serine, which is neutral and polar, with proline, which is neutral and non-polar, at codon 222 of the RTN2 protein (p.Ser222Pro). This variant is not present in population databases (gnomAD no frequency). This variant has not been reported in the literature in individuals affected with RTN2-related conditions. An algorithm developed to predict the effect of missense changes on protein structure and function outputs the following: PolyPhen-2: "Benign". The proline amino acid residue is found in multiple mammalian species, which suggests that this missense change does not adversely affect protein function. In summary, the available evidence is currently insufficient to determine the role of this variant in disease. Therefore, it has been classified as a Variant of Uncertain Significance.

NM_005619.5(RTN2):c.664T>C (p.Ser222Pro)

Genes: OPA3-RTN2 (OPA3-RTN2 readthrough; minus strand), RTN2 (reticulon 2; minus strand). Cytogenetic location: 19q13.32.
Variant type: single nucleotide variant.
Coding change: c.664T>C on transcript NM_005619.5 (MANE Select); coding-DNA position 664, T replaced by C.
Protein change: p.Ser222Pro; replaces serine 222 with proline.
Molecular consequence: missense variant.
Genome position (GRCh38, 1-based): chr19:45,494,316, A>G on the plus strand (T>C on the coding strand, the complement: RTN2 is on the minus strand). VCF-style: chr19-45494316-A-G. GRCh37 (hg19) VCF-style: chr19-45997574-A-G.
Other names: c.664T>C, p.Ser222Pro (NM_206900.3); short protein forms S222P.
Identifiers: ClinVar variation 3726953 (VCV003726953.2).